The following is an entry in ClinVar:

ClinVar aggregate classification (germline): Uncertain significance (1 of 4 stars; one submission).

Conditions:
Intellectual developmental disorder, X-linked 1. Also called: Atkin Flaitz Patil Smith syndrome; MENTAL RETARDATION, X-LINKED 18; MENTAL RETARDATION, X-LINKED 78; Intellectual disability, X-linked 1. Identifiers: Orphanet 777, MedGen C2931498, MONDO:0010656, OMIM 309530.

Submission:

Labcorp Genetics (formerly Invitae), Labcorp
Classification: Uncertain significance for Intellectual developmental disorder, X-linked 1. Last evaluated: 2025-08-15. Review status: criteria provided, single submitter. Criteria: Invitae Variant Classification Sherloc (09022015). Collection method: clinical testing. Allele origin: germline.
Comment: This sequence change replaces arginine, which is basic and polar, with serine, which is neutral and polar, at codon 168 of the IQSEC2 protein (p.Arg168Ser). This variant is not present in population databases (gnomAD no frequency). This variant has not been reported in the literature in individuals affected with IQSEC2-related conditions. Invitae Evidence Modeling of protein sequence and biophysical properties (such as structural, functional, and spatial information, amino acid conservation, physicochemical variation, residue mobility, and thermodynamic stability) indicates that this missense variant is not expected to disrupt IQSEC2 protein function with a negative predictive value of 95%. In summary, the available evidence is currently insufficient to determine the role of this variant in disease. Therefore, it has been classified as a Variant of Uncertain Significance.

NM_001111125.3(IQSEC2):c.502C>A (p.Arg168Ser)

Gene: IQSEC2 (IQ motif and Sec7 domain ArfGEF 2; minus strand). Cytogenetic location: Xp11.22.
Variant type: single nucleotide variant.
Coding change: c.502C>A on transcript NM_001111125.3 (MANE Select); coding-DNA position 502, C replaced by A.
Protein change: p.Arg168Ser; replaces arginine 168 with serine.
Molecular consequence: missense variant.
Genome position (GRCh38, 1-based): chrX:53,320,622, G>T on the plus strand (C>A on the coding strand, the complement: IQSEC2 is on the minus strand). VCF-style: chrX-53320622-G-T. GRCh37 (hg19) VCF-style: chrX-53349820-G-T.
Other names: c.502C>A, p.Arg168Ser (NM_001410736.1, NM_001441092.1); short protein forms R168S.
Identifiers: ClinVar variation 4801030 (VCV004801030.1).